The following is an entry in ClinVar:

ClinVar aggregate classification (germline): Uncertain significance (1 of 4 stars; one submission).

Conditions:
Werner syndrome (WRN). Identifiers: Orphanet 902, MedGen C0043119, MONDO:0010196, OMIM 277700.

Submission:

Labcorp Genetics (formerly Invitae), Labcorp
Classification: Uncertain significance for Werner syndrome. Last evaluated: 2021-01-30. Review status: criteria provided, single submitter. Criteria: Invitae Variant Classification Sherloc (09022015). Collection method: clinical testing. Allele origin: germline.
Comment: This sequence change replaces glutamine with histidine at codon 997 of the WRN protein (p.Gln997His). The glutamine residue is weakly conserved and there is a small physicochemical difference between glutamine and histidine. In summary, the available evidence is currently insufficient to determine the role of this variant in disease. Therefore, it has been classified as a Variant of Uncertain Significance. Algorithms developed to predict the effect of missense changes on protein structure and function are either unavailable or do not agree on the potential impact of this missense change (SIFT: "Not Available"; PolyPhen-2: "Possibly Damaging"; Align-GVGD: "Not Available"). This variant has not been reported in the literature in individuals with WRN-related conditions. This variant is not present in population databases (ExAC no frequency).

NM_000553.6(WRN):c.2991A>C (p.Gln997His)

Gene: WRN (WRN RecQ like helicase; plus strand). Cytogenetic location: 8p12.
Variant type: single nucleotide variant.
Coding change: c.2991A>C on transcript NM_000553.6 (MANE Select); coding-DNA position 2991, A replaced by C.
Protein change: p.Gln997His; replaces glutamine 997 with histidine.
Molecular consequence: missense variant.
Genome position (GRCh38, 1-based): chr8:31,141,453, A>C. VCF-style: chr8-31141453-A-C. GRCh37 (hg19) VCF-style: chr8-30998969-A-C.
Other names: short protein forms Q997H.
Identifiers: ClinVar variation 1405969 (VCV001405969.6), dbSNP rs1487585191, ClinGen allele CA370921734.